The following is an entry in ClinVar:

ClinVar aggregate classification (germline): Uncertain significance (1 of 4 stars; one submission).

Conditions:
Hereditary cancer-predisposing syndrome. Also called: Neoplastic Syndromes, Hereditary; Tumor predisposition; Hereditary neoplastic syndrome; Hereditary Cancer Syndrome. Identifiers: Orphanet 140162, MedGen C0027672, MeSH D009386, MONDO:0015356.

Submission:

Ambry Genetics
Classification: Uncertain significance for Hereditary cancer-predisposing syndrome. Last evaluated: 2025-07-01. Review status: criteria provided, single submitter. Criteria: Ambry Variant Classification Scheme 2023. Collection method: clinical testing. Allele origin: germline.
Comment: The c.9171_*12del13 (also known as p.*3057Wext*13), located in coding exon 62 of the ATM gene, results from a deletion of 13 nucleotides from c.9171 into the 3' untranslated region. This alteration occurs at the 3' terminus of theATM gene, is not expected to trigger nonsense-mediated mRNAdecay and results in the elongation of the protein by 13 amino acids. This frameshift impacts the last amino acid of the native protein. The exact functional effect of the altered amino acids is unknown. Based on the available evidence, the clinical significance of this variant remains unclear.

NM_000051.4(ATM):c.9171_*12del (p.Ter3057TrpextTer?)

Genes: ATM (ATM serine/threonine kinase; plus strand), C11orf65 (chromosome 11 open reading frame 65; minus strand). Cytogenetic location: 11q22.3.
Variant type: Deletion.
Coding change: c.9171_*12del on transcript NM_000051.4 (MANE Select); coding-DNA position 9171 through 12 bases downstream of the stop codon, 13 bases deleted (ATCTTCAGTATAT).
Protein change: p.Ter3057TrpextTer?.
Molecular consequence: frameshift variant, stop lost. On other transcripts: intron variant (2).
Genome position (GRCh38, 1-based): chr11:108,365,508-108,365,520, ATCTTCAGTATAT deleted. VCF-style (leftmost placement, unchanged base first): chr11-108365507-GATCTTCAGTATAT-G. GRCh37 (hg19) VCF-style: chr11-108236234-GATCTTCAGTATAT-G.
Other names: c.9171_*12del, p.Ter3057TrpextTer? (NM_001351834.2); c.640+20400_640+20412del (NM_001330368.2); c.694+20400_694+20412del (NM_001351110.2); c.9171_*12del13 (NM_000051.3).
Identifiers: ClinVar variation 4169033 (VCV004169033.1).